The following is an entry in ClinVar:

ClinVar aggregate classification (germline): Uncertain significance (1 of 4 stars; one submission).

Conditions:
Meckel-Gruber syndrome. Also called: DYSENCEPHALIA SPLANCHNOCYSTICA; GRUBER SYNDROME; Dysencephalia splachnocystica. Identifiers: Orphanet 564, MedGen C0265215, MONDO:0018921.
Joubert syndrome. Also called: CEREBELLOPARENCHYMAL DISORDER IV; JOUBERT-BOLTSHAUSER SYNDROME; Familial aplasia of the vermis. Identifiers: Orphanet 475, MedGen C5979921, MONDO:0018772.

Submission:

Labcorp Genetics (formerly Invitae), Labcorp
Classification: Uncertain significance for Joubert syndrome; Meckel-Gruber syndrome. Last evaluated: 2022-12-02. Review status: criteria provided, single submitter. Criteria: Invitae Variant Classification Sherloc (09022015). Collection method: clinical testing. Allele origin: germline.
Comment: This sequence change falls in intron 4 of the B9D1 gene. It does not directly change the encoded amino acid sequence of the B9D1 protein. Algorithms developed to predict the effect of sequence changes on RNA splicing suggest that this variant may create or strengthen a splice site. In summary, the available evidence is currently insufficient to determine the role of this variant in disease. Therefore, it has been classified as a Variant of Uncertain Significance. ClinVar contains an entry for this variant (Variation ID: 1501388). This variant is also known as c.342-1_344dup (p.His115Glnfs*16). This variant has not been reported in the literature in individuals affected with B9D1-related conditions. This variant is not present in population databases (gnomAD no frequency).

NM_015681.6(B9D1):c.342-1_344dup

Gene: B9D1 (B9 domain containing 1; minus strand). Cytogenetic location: 17p11.2.
Variant type: Duplication.
Coding change: c.342-1_344dup on transcript NM_015681.6 (MANE Select); the canonical splice acceptor site of the intron before coding-DNA position 342 through coding-DNA position 344, 4 bases duplicated (GGCA; older notation c.342-1_344dupGGCA).
Molecular consequence: splice acceptor variant.
Genome position (GRCh38, 1-based): chr17:19,347,329-19,347,332, TGCC duplicated on the plus strand (GGCA on the coding strand, the reverse complement: B9D1 is on the minus strand); duplicating any 4 consecutive bases within chr17:19,347,329-19,347,334 gives the same sequence; the c. name uses the placement nearest the transcript's 3' end. VCF-style (leftmost placement, unchanged base first): chr17-19347328-G-GTGCC. GRCh37 (hg19) VCF-style: chr17-19250641-G-GTGCC.
Other names: c.-19-1_-17dup (NM_001368769.2); c.342-1_344dup (NM_001321219.2, NM_001321218.2, NM_001321217.2 and 4 more transcripts).
Identifiers: ClinVar variation 1501388 (VCV001501388.6), dbSNP rs2152260983, ClinGen allele CA2573153146.
Genomic context (GRCh38, chr17:19,347,328, plus strand): 5'-CCTTGTAAACTTCTGCAGTTTAGACGTAGATTCTGGGACAAACATGGGGATGGTCCTTTT[G>GTGCC]TGCCTGAAACAAATGTTTTTGCAGACAGAGATGCTGAGTAAGAGACCTTTCTGAGCCTCC-3'